The following is an entry in ClinVar:

NM_004364.5(CEBPA):c.697C>T (p.Pro233Ser)

Gene: CEBPA (CCAAT enhancer binding protein alpha; minus strand). Cytogenetic location: 19q13.11.
Variant type: single nucleotide variant.
Coding change: c.697C>T on transcript NM_004364.5 (MANE Select); coding-DNA position 697, C replaced by T.
Protein change: p.Pro233Ser; replaces proline 233 with serine.
Molecular consequence: missense variant.
Genome position (GRCh38, 1-based): chr19:33,301,718, G>A on the plus strand (C>T on the coding strand, the complement: CEBPA is on the minus strand). VCF-style: chr19-33301718-G-A. GRCh37 (hg19) VCF-style: chr19-33792624-G-A.
Other names: c.340C>T, p.Pro114Ser (NM_001285829.2); c.802C>T, p.Pro268Ser (NM_001287424.2); c.655C>T, p.Pro219Ser (NM_001287435.2); short protein forms P114S, P219S, P233S, P268S.
Identifiers: ClinVar variation 1717424 (VCV001717424.6), dbSNP rs933936962, ClinGen allele CA307844240.
Genomic context (GRCh38, chr19:33,301,718, plus strand): 5'-GCGCGCTGCCAGGGCCCGGCAGGCCGGCGGCACCGAGCGCGGGCGCGGGGTGCGGGCTGG[G>A]CACGGGCGTGGGCGGCGGCGTGGGGTGACCGGGCTGCAGGTGCATGGTGGTCTGGCCGCA-3'
Protein context (NP_004355.2, residues 223-243): GHPTPPPTPV[Pro233Ser]SPHPAPALGA

ClinVar aggregate classification (germline): Uncertain significance (1 of 4 stars; one submission).

Conditions:
Acute myeloid leukemia (AML). Also called: Leukemia, acute myeloid, somatic; Leukemia, acute myelogenous, somatic; Acute myeloid leukemia, adult; AML adult; Acute non-lymphocytic leukemia; Acute granulocytic leukemia. Identifiers: Orphanet 519, MedGen C0023467, MeSH D015470, MONDO:0018874, OMIM 601626, HP:0004808. Disease mechanism: Constitutively activated FLT3.

Submission:

Labcorp Genetics (formerly Invitae), Labcorp
Classification: Uncertain significance for Acute myeloid leukemia. Last evaluated: 2022-08-21. Review status: criteria provided, single submitter. Criteria: Invitae Variant Classification Sherloc (09022015). Collection method: clinical testing. Allele origin: germline.
Comment: This sequence change replaces proline, which is neutral and non-polar, with serine, which is neutral and polar, at codon 233 of the CEBPA protein (p.Pro233Ser). This variant is not present in population databases (gnomAD no frequency). This variant has not been reported in the literature in individuals affected with CEBPA-related conditions. Algorithms developed to predict the effect of missense changes on protein structure and function are either unavailable or do not agree on the potential impact of this missense change (SIFT: "Tolerated"; PolyPhen-2: "Probably Damaging"; Align-GVGD: "Class C0"). In summary, the available evidence is currently insufficient to determine the role of this variant in disease. Therefore, it has been classified as a Variant of Uncertain Significance.